The following is an entry in ClinVar:

NM_017433.5(MYO3A):c.3021G>T (p.Lys1007Asn)

Gene: MYO3A (myosin IIIA; plus strand). Cytogenetic location: 10p12.1.
Variant type: single nucleotide variant.
Coding change: c.3021G>T on transcript NM_017433.5 (MANE Select); coding-DNA position 3021, G replaced by T.
Protein change: p.Lys1007Asn; replaces lysine 1007 with asparagine.
Molecular consequence: missense variant.
Genome position (GRCh38, 1-based): chr10:26,166,088, G>T. VCF-style: chr10-26166088-G-T. GRCh37 (hg19) VCF-style: chr10-26455017-G-T.
Other names: short protein forms K1007N.
Identifiers: ClinVar variation 1363192 (VCV001363192.6), dbSNP rs1358583401, ClinGen allele CA376337111.

ClinVar aggregate classification (germline): Uncertain significance (1 of 4 stars; one submission).

Allele frequency attached by ClinVar (database versions not stated): gnomAD 0.00001; TOPMed 0.00001.
gnomAD v4.1: 1 of 1,613,998 alleles (0.000062%); highest among the groups gnomAD compares: Admixed American, 0.0017%; no homozygotes.

Submission:

Labcorp Genetics (formerly Invitae), Labcorp
Classification: Uncertain significance. Last evaluated: 2023-06-04. Review status: criteria provided, single submitter. Criteria: Invitae Variant Classification Sherloc (09022015). Collection method: clinical testing. Allele origin: germline.
Comment: This variant is not present in population databases (gnomAD no frequency). This variant has not been reported in the literature in individuals affected with MYO3A-related conditions. ClinVar contains an entry for this variant (Variation ID: 1363192). Advanced modeling of protein sequence and biophysical properties (such as structural, functional, and spatial information, amino acid conservation, physicochemical variation, residue mobility, and thermodynamic stability) performed at Invitae indicates that this missense variant is not expected to disrupt MYO3A protein function. In summary, the available evidence is currently insufficient to determine the role of this variant in disease. Therefore, it has been classified as a Variant of Uncertain Significance. This sequence change replaces lysine, which is basic and polar, with asparagine, which is neutral and polar, at codon 1007 of the MYO3A protein (p.Lys1007Asn).